The following is an entry in ClinVar:

ClinVar aggregate classification (germline): Likely pathogenic (1 of 4 stars; one submission).

Conditions:
Mitochondrial complex I deficiency, nuclear type 21. Also called: Mitochondrial complex 1 deficiency, nuclear type 21. Identifiers: MedGen C4748792, MONDO:0032625, OMIM 618242.

Submission:

Greenwood Genetic Center Diagnostic Laboratories, Greenwood Genetic Center
Classification: Likely pathogenic for Mitochondrial complex I deficiency, nuclear type 21. Last evaluated: 2025-12-04. Review status: criteria provided, single submitter. Criteria: ACMG Guidelines, 2015. Collection method: clinical testing. Allele origin: germline. Affected: yes.
Comment: PVS1, PM2

NM_025152.3(NUBPL):c.622_623del (p.Ser208fs)

Gene: NUBPL (NUBP iron-sulfur cluster assembly factor, mitochondrial; plus strand). Cytogenetic location: 14q12.
Variant type: Microsatellite.
Coding change: c.622_623del on transcript NM_025152.3 (MANE Select); coding-DNA positions 622 to 623, 2 bases deleted (TC; older notation c.622_623delTC).
Protein change: p.Ser208fs; shifts the reading frame from serine 208.
Molecular consequence: frameshift variant. On other transcripts: non-coding transcript variant (1).
Genome position (GRCh38, 1-based): chr14:31,826,643-31,826,644, TC deleted; deleting any 2 consecutive bases within chr14:31,826,641-31,826,644 gives the same sequence; the c. name uses the placement nearest the transcript's 3' end. VCF-style (leftmost placement, unchanged base first): chr14-31826640-GTC-G. GRCh37 (hg19) VCF-style: chr14-32295846-GTC-G.
Other names: c.334_335del, p.Ser112fs (NM_001201573.2); c.73_74del, p.Ser25fs (NM_001201574.2); short protein forms S112fs, S208fs, S25fs.
Identifiers: ClinVar variation 4845507 (VCV004845507.1).